The following is an entry in ClinVar:

NM_004415.4(DSP):c.2479A>T (p.Thr827Ser)

Gene: DSP (desmoplakin; plus strand). Cytogenetic location: 6p24.3.
Variant type: single nucleotide variant.
Coding change: c.2479A>T on transcript NM_004415.4 (MANE Select); coding-DNA position 2479, A replaced by T.
Protein change: p.Thr827Ser; replaces threonine 827 with serine.
Molecular consequence: missense variant.
Genome position (GRCh38, 1-based): chr6:7,575,337, A>T. VCF-style: chr6-7575337-A-T. GRCh37 (hg19) VCF-style: chr6-7575570-A-T.
Other names: c.2479A>T, p.Thr827Ser (NM_001008844.3, NM_001319034.2); short protein forms T827S.
Identifiers: ClinVar variation 1302379 (VCV001302379.8), dbSNP rs1009521297, ClinGen allele CA133963245.
Genomic context (GRCh38, chr6:7,575,337, plus strand): 5'-TTTTTTTTCATCTTGCAGAAAATAAAAAATGACTTGAACTTGAAGAAGTCGTTGTTGGCC[A>T]CTATGAAGACAGAACTACAGAAAGCCCAGCAGATCCACTCTCAGACTTCACAGCAGTATC-3'
Protein context (NP_004406.2, residues 817-837): DLNLKKSLLA[Thr827Ser]MKTELQKAQQ

ClinVar aggregate classification (germline): Uncertain significance. Review status: criteria provided, multiple submitters, no conflicts (2 of 4 stars). 4 submissions from 4 submitters: Uncertain significance (4). Last evaluated 2023-06-26.

Conditions:
Cardiovascular phenotype. Identifiers: MedGen CN230736.
Arrhythmogenic cardiomyopathy with wooly hair and keratoderma. Also called: Carvajal syndrome; Dilated cardiomyopathy with woolly hair and keratoderma; PALMOPLANTAR KERATODERMA WITH LEFT VENTRICULAR CARDIOMYOPATHY AND WOOLLY HAIR; Arrhythmogenic cardiomyopathy with woolly hair and keratoderma. Identifiers: Orphanet 65282, MedGen C1854063, MONDO:0011581, OMIM 605676.
Arrhythmogenic right ventricular dysplasia 8 (ARVD8). Also called: Arrhythmogenic Right Ventricular Dysplasia/Cardiomyopathy 8; ARRHYTHMOGENIC RIGHT VENTRICULAR CARDIOMYOPATHY 8; ARRHYTHMOGENIC RIGHT VENTRICULAR DYSPLASIA, FAMILIAL, 8. Identifiers: MedGen C1843896, MONDO:0011831, OMIM 607450.

Allele frequency attached by ClinVar (database versions not stated): gnomAD 0.00002 and 0.00003.
gnomAD v4.1: 4 of 1,613,894 alleles (0.00025%); highest among the groups gnomAD compares: African/African-American, 0.004%; no homozygotes.

Submissions (4):

All of Us Research Program, National Institutes of Health
Classification: Uncertain significance for Arrhythmogenic cardiomyopathy with wooly hair and keratoderma. Last evaluated: 2023-06-26. Review status: criteria provided, single submitter. Criteria: ACMG Guidelines, 2015. Collection method: clinical testing. Allele origin: germline. Inheritance: Autosomal dominant inheritance. Observed: 1 variant allele, 1 heterozygote.
Comment: This missense variant replaces threonine with serine at codon 827 of the DSP protein. Computational prediction suggests that this variant may not impact protein structure and function (internally defined REVEL score threshold <= 0.5, PMID: 27666373). To our knowledge, functional studies have not been reported for this variant. This variant has not been reported in individuals affected with DSP-related disorders in the literature. This variant has not been identified in the general population by the Genome Aggregation Database (gnomAD). The available evidence is insufficient to determine the role of this variant in disease conclusively. Therefore, this variant is classified as a Variant of Uncertain Significance.

This study involves interpretation of variants in research participants for the purpose of population health screening. Participant phenotype was not available at the time of variant classification. Additional details can be found in publication PMID: 35346344, PMCID: PMC8962531

Ambry Genetics
Classification: Uncertain significance for Cardiovascular phenotype. Last evaluated: 2023-03-18. Review status: criteria provided, single submitter. Criteria: Ambry Variant Classification Scheme 2023. Collection method: clinical testing. Allele origin: germline.
Comment: The p.T827S variant (also known as c.2479A>T), located in coding exon 18 of the DSP gene, results from an A to T substitution at nucleotide position 2479. The threonine at codon 827 is replaced by serine, an amino acid with similar properties. This amino acid position is not well conserved in available vertebrate species. In addition, this alteration is predicted to be tolerated by in silico analysis. Since supporting evidence is limited at this time, the clinical significance of this alteration remains unclear.

Labcorp Genetics (formerly Invitae), Labcorp
Classification: Uncertain significance for Arrhythmogenic cardiomyopathy with wooly hair and keratoderma; Arrhythmogenic right ventricular dysplasia 8. Last evaluated: 2023-02-27. Review status: criteria provided, single submitter. Criteria: Invitae Variant Classification Sherloc (09022015). Collection method: clinical testing. Allele origin: germline.
Comment: This sequence change replaces threonine, which is neutral and polar, with serine, which is neutral and polar, at codon 827 of the DSP protein (p.Thr827Ser). This variant is not present in population databases (gnomAD no frequency). This variant has not been reported in the literature in individuals affected with DSP-related conditions. ClinVar contains an entry for this variant (Variation ID: 1302379). An algorithm developed to predict the effect of missense changes on protein structure and function (PolyPhen-2) suggests that this variant is likely to be tolerated. In summary, the available evidence is currently insufficient to determine the role of this variant in disease. Therefore, it has been classified as a Variant of Uncertain Significance.

GeneDx
Classification: Uncertain significance. Last evaluated: 2019-08-01. Review status: criteria provided, single submitter. Criteria: GeneDx Variant Classification Process June 2021. Collection method: clinical testing. Allele origin: germline. Affected: yes.
Comment: Has not been previously published as pathogenic or benign to our knowledge; Not observed in large population cohorts (Lek et al., 2016); In silico analysis, which includes protein predictors and evolutionary conservation, supports that this variant does not alter protein structure/function